The following is an entry in ClinVar:

ClinVar aggregate classification (germline): Uncertain significance (1 of 4 stars; one submission).

gnomAD v4.1: 1 of 1,614,078 alleles (0.000062%); highest among the groups gnomAD compares: Non-Finnish European, 0.000085%; no homozygotes.

Submission:

Labcorp Genetics (formerly Invitae), Labcorp
Classification: Uncertain significance. Last evaluated: 2026-01-12. Review status: criteria provided, single submitter. Criteria: Invitae Variant Classification Sherloc (09022015). Collection method: clinical testing. Allele origin: germline.
Comment: This sequence change replaces cysteine, which is neutral and slightly polar, with glycine, which is neutral and non-polar, at codon 740 of the DHX32 protein (p.Cys740Gly). This variant is not present in population databases (gnomAD no frequency). This variant has not been reported in the literature in individuals affected with DHX32-related conditions. An algorithm developed to predict the effect of missense changes on protein structure and function (PolyPhen-2) suggests that this variant is likely to be disruptive. In summary, the available evidence is currently insufficient to determine the role of this variant in disease. Therefore, it has been classified as a Variant of Uncertain Significance.

NM_018180.3(DHX32):c.2218T>G (p.Cys740Gly)

Genes: BCCIP (BRCA2 and CDKN1A interacting protein; plus strand), DHX32 (DEAH-box helicase 32 (putative); minus strand). Cytogenetic location: 10q26.2.
Variant type: single nucleotide variant.
Coding change: c.2218T>G on transcript NM_018180.3 (MANE Select); coding-DNA position 2218, T replaced by G.
Protein change: p.Cys740Gly; replaces cysteine 740 with glycine.
Molecular consequence: missense variant. On other transcripts: intron variant (2).
Genome position (GRCh38, 1-based): chr10:125,836,701, A>C on the plus strand (T>G on the coding strand, the complement: DHX32 is on the minus strand). VCF-style: chr10-125836701-A-C. GRCh37 (hg19) VCF-style: chr10-127525270-A-C.
Other names: c.774+2755A>C (NM_016567.4, NM_078469.3); short protein forms C740G.
Identifiers: ClinVar variation 4769996 (VCV004769996.1).